The following is an entry in ClinVar:

ClinVar aggregate classification (germline): Benign. Review status: criteria provided, single submitter (1 of 4 stars). 2 submissions from 2 submitters: Benign (1). 1 of the submissions does not count toward it. Last evaluated 2018-06-23.

Conditions:
Familial cancer of breast. Also called: BREAST CANCER, FAMILIAL; hereditary breast carcinoma; Hereditary breast cancer. Identifiers: Orphanet 227535, MedGen C0346153, MONDO:0016419, OMIM 114480. Disease mechanism: loss of function.

Allele frequency attached by ClinVar (database versions not stated): 1000 Genomes Project 30x 0.00297; 1000 Genomes Project 0.00319; TOPMed 0.00338; gnomAD 0.00723 and 0.00748.

Submissions (2):

GeneDx
Classification: Benign. Last evaluated: 2018-06-23. Review status: criteria provided, single submitter. Criteria: GeneDx Variant Classification Process June 2021. Collection method: clinical testing. Allele origin: germline. Affected: yes.

Leiden Open Variation Database
Classification: Likely benign for Familial cancer of breast. Last evaluated: 2019-05-13. Review status: no assertion criteria provided. Collection method: curation. Allele origin: germline. Affected: yes. Not counted in ClinVar's aggregate classification.
Comment: Curators: Marc Tischkowitz, Arleen D. Auerbach. Submitter to LOVD: Marc Tischkowitz.

Literature cited by the submitters: PubMed 21932393 (cited by Leiden Open Variation Database).

NM_024675.4(PALB2):c.2996+183del

Gene: PALB2 (partner and localizer of BRCA2; minus strand). Cytogenetic location: 16p12.2.
Variant type: Deletion.
Coding change: c.2996+183del on transcript NM_024675.4 (MANE Select); 183 bases into the intron after coding-DNA position 2996, one base deleted (A; older notation c.2996+183delA).
Molecular consequence: intron variant.
Genome position (GRCh38, 1-based): chr16:23,622,786, T deleted on the plus strand (A on the coding strand, the reverse complement: PALB2 is on the minus strand). VCF-style (leftmost placement, unchanged base first): chr16-23622785-CT-C. GRCh37 (hg19) VCF-style: chr16-23634106-CT-C.
Other names: NM_024675.3:c.2996+183del.
Identifiers: ClinVar variation 126702 (VCV000126702.5), dbSNP rs199767268, ClinGen allele CA269591.
Genomic context (GRCh38, chr16:23,622,785, plus strand): 5'-TCAAGAAGACTGAAGAACAAACTACATTTGCTGAGCCTCTCACCTTCTTTGACTTCATCC[CT>C]GACATGTCTGGCTTCCACCTCACTAACCTGCTTCTATGTCATAACCTAGTGTTGATGCGG-3'